The following is an entry in ClinVar:

NM_181882.3(PRX):c.2243C>G (p.Pro748Arg)

Gene: PRX (periaxin; minus strand). Cytogenetic location: 19q13.2.
Variant type: single nucleotide variant.
Coding change: c.2243C>G on transcript NM_181882.3 (MANE Select); coding-DNA position 2243, C replaced by G.
Protein change: p.Pro748Arg; replaces proline 748 with arginine.
Molecular consequence: missense variant. On other transcripts: 3 prime UTR variant (1).
Genome position (GRCh38, 1-based): chr19:40,396,109, G>C on the plus strand (C>G on the coding strand, the complement: PRX is on the minus strand). VCF-style: chr19-40396109-G-C. GRCh37 (hg19) VCF-style: chr19-40902016-G-C.
Other names: c.*2448C>G (NM_020956.2); short protein forms P748R.
Identifiers: ClinVar variation 871295 (VCV000871295.43), dbSNP rs111252437, ClinGen allele CA405896688.

ClinVar aggregate classification (germline): Uncertain significance. Review status: criteria provided, multiple submitters, no conflicts (2 of 4 stars). 2 submissions from 2 submitters: Uncertain significance (2). Last evaluated 2022-06-05.

Conditions:
Charcot-Marie-Tooth disease type 4. Also called: Charcot-Marie-Tooth disease, type IV; Charcot-Marie-Tooth, Type 4. Identifiers: Orphanet 64749, MedGen C4082197, MONDO:0018995.

gnomAD v4.1: 12 of 1,614,122 alleles (0.00074%); highest among the groups gnomAD compares: Middle Eastern, 0.016%; no homozygotes.

Submissions (2):

Labcorp Genetics (formerly Invitae), Labcorp
Classification: Uncertain significance for Charcot-Marie-Tooth disease type 4. Last evaluated: 2022-06-05. Review status: criteria provided, single submitter. Criteria: Invitae Variant Classification Sherloc (09022015). Collection method: clinical testing. Allele origin: germline.
Comment: This sequence change replaces proline, which is neutral and non-polar, with arginine, which is basic and polar, at codon 748 of the PRX protein (p.Pro748Arg). This variant is not present in population databases (gnomAD no frequency). This variant has not been reported in the literature in individuals affected with PRX-related conditions. ClinVar contains an entry for this variant (Variation ID: 871295). Algorithms developed to predict the effect of missense changes on protein structure and function are either unavailable or do not agree on the potential impact of this missense change (SIFT: "Deleterious"; PolyPhen-2: "Probably Damaging"; Align-GVGD: "Class C15"). In summary, the available evidence is currently insufficient to determine the role of this variant in disease. Therefore, it has been classified as a Variant of Uncertain Significance.

CeGaT Center for Human Genetics Tuebingen
Classification: Uncertain significance. Last evaluated: 2019-11-01. Review status: criteria provided, single submitter. Criteria: CeGaT Center For Human Genetics Tuebingen Variant Classification Criteria Version 2. Collection method: clinical testing. Allele origin: germline. Affected: yes. Observed: 1 variant allele.